The following is an entry in ClinVar:

NC_000017.10:g.(?_59870948)_(59938900_?)dup

Gene: BRIP1 (BRCA1 interacting DNA helicase 1; minus strand). Cytogenetic location: 17q23.2.
Variant type: Duplication.
Identifiers: ClinVar variation 3242962 (VCV003242962.1).

ClinVar aggregate classification (germline): Uncertain significance (1 of 4 stars; one submission).

Conditions:
Familial cancer of breast. Also called: BREAST CANCER, FAMILIAL; hereditary breast carcinoma; Hereditary breast cancer. Identifiers: Orphanet 227535, MedGen C0346153, MONDO:0016419, OMIM 114480. Disease mechanism: loss of function.
Fanconi anemia complementation group J. Also called: BRIP1-Related Fanconi Anemia. Identifiers: Orphanet 84, MedGen C1836860, MONDO:0012187, OMIM 609054.

Submission:

Labcorp Genetics (formerly Invitae), Labcorp
Classification: Uncertain significance for Familial cancer of breast; Fanconi anemia complementation group J. Last evaluated: 2023-03-03. Review status: criteria provided, single submitter. Criteria: Invitae Variant Classification Sherloc (09022015). Collection method: clinical testing. Allele origin: unknown.
Comment: This variant results in a copy number gain of the genomic region encompassing exon(s) 2-10 of the BRIP1 gene. This region includes the initiator codon of the gene. This copy number gain extends beyond the assayed region for this gene and therefore may encompass additional genes. As the precise location of this event is unknown, it may be in tandem or it may be located elsewhere in the genome. This variant has not been reported in the literature in individuals affected with BRIP1-related conditions. In summary, the available evidence is currently insufficient to determine the role of this variant in disease. Therefore, it has been classified as a Variant of Uncertain Significance.